The following is an entry in ClinVar:

NM_005515.4(MNX1):c.48C>G (p.Asp16Glu)

Gene: MNX1 (motor neuron and pancreas homeobox 1; minus strand). Cytogenetic location: 7q36.3.
Variant type: single nucleotide variant.
Coding change: c.48C>G on transcript NM_005515.4 (MANE Select); coding-DNA position 48, C replaced by G.
Protein change: p.Asp16Glu; replaces aspartic acid 16 with glutamic acid.
Molecular consequence: missense variant.
Genome position (GRCh38, 1-based): chr7:157,010,303, G>C on the plus strand (C>G on the coding strand, the complement: MNX1 is on the minus strand). VCF-style: chr7-157010303-G-C. GRCh37 (hg19) VCF-style: chr7-156802997-G-C.
Other names: short protein forms D16E.
Identifiers: ClinVar variation 4707118 (VCV004707118.1).
Genomic context (GRCh38, chr7:157,010,303, plus strand): 5'-GGCGGCGAGCGACGTGACCAAGGCCAGCGGCGCGCTCTGCGCAGAGGCGGCTCGTGGGGG[G>C]TCCACCGCCAGCAGGGCGTCGATGCGGAAATTTTTGGATTTTTCCATCGGCTCGTTTGGG-3'
Protein context (NP_005506.3, residues 6-26): NFRIDALLAV[Asp16Glu]PPRAASAQSA

ClinVar aggregate classification (germline): Uncertain significance (1 of 4 stars; one submission).

gnomAD v4.1: 14 of 1,577,076 alleles (0.00089%); highest among the groups gnomAD compares: African/African-American, 0.018%; no homozygotes.

Submission:

Labcorp Genetics (formerly Invitae), Labcorp
Classification: Uncertain significance. Last evaluated: 2025-10-16. Review status: criteria provided, single submitter. Criteria: Invitae Variant Classification Sherloc (09022015). Collection method: clinical testing. Allele origin: germline.
Comment: This sequence change replaces aspartic acid, which is acidic and polar, with glutamic acid, which is acidic and polar, at codon 16 of the MNX1 protein (p.Asp16Glu). This variant is present in population databases (rs749617763, gnomAD 0.01%). This variant has not been reported in the literature in individuals affected with MNX1-related conditions. Invitae Evidence Modeling of protein sequence and biophysical properties (such as structural, functional, and spatial information, amino acid conservation, physicochemical variation, residue mobility, and thermodynamic stability) indicates that this missense variant is not expected to disrupt MNX1 protein function with a negative predictive value of 80%. In summary, the available evidence is currently insufficient to determine the role of this variant in disease. Therefore, it has been classified as a Variant of Uncertain Significance.